The following is an entry in ClinVar:

NM_001378418.1(TCF20):c.2502C>G (p.Ile834Met)

Gene: TCF20 (transcription factor 20; minus strand). Cytogenetic location: 22q13.2.
Variant type: single nucleotide variant.
Coding change: c.2502C>G on transcript NM_001378418.1 (MANE Select); coding-DNA position 2502, C replaced by G.
Protein change: p.Ile834Met; replaces isoleucine 834 with methionine.
Molecular consequence: missense variant.
Genome position (GRCh38, 1-based): chr22:42,212,804, G>C on the plus strand (C>G on the coding strand, the complement: TCF20 is on the minus strand). VCF-style: chr22-42212804-G-C. GRCh37 (hg19) VCF-style: chr22-42608810-G-C.
Other names: c.2502C>G, p.Ile834Met (NM_005650.4, NM_181492.3); short protein forms I834M.
Identifiers: ClinVar variation 3602864 (VCV003602864.1).
Genomic context (GRCh38, chr22:42,212,804, plus strand): 5'-ATGTGCTGATGACTGAGGCTCTATTTCAAACTTTCTGGGAATTGGATAGTCAGTCAAATT[G>C]ATCTGTTTCATTTCAGGAGCTGTGCTGCTTGATTTCCTTTCCCAGGGGCCCCAGTGGGGA-3'
Protein context (NP_001365347.1, residues 824-844): SSSTAPEMKQ[Ile834Met]NLTDYPIPRK

ClinVar aggregate classification (germline): Uncertain significance (1 of 4 stars; one submission).

gnomAD v4.1: 11 of 1,614,190 alleles (0.00068%); highest among the groups gnomAD compares: South Asian, 0.0022%; no homozygotes.

Submission:

GeneDx
Classification: Uncertain significance. Last evaluated: 2024-08-09. Review status: criteria provided, single submitter. Criteria: GeneDx Variant Classification Process June 2021. Collection method: clinical testing. Allele origin: germline. Affected: yes.
Comment: In silico analysis indicates that this missense variant does not alter protein structure/function; Has not been previously published as pathogenic or benign to our knowledge